The following is an entry in ClinVar:

ClinVar aggregate classification (germline): Likely benign (1 of 4 stars; one submission).

Allele frequency attached by ClinVar (database versions not stated): gnomAD exomes 0.00006; ExAC 0.00019; TOPMed 0.00056; gnomAD 0.00057; ESP Exome Variant Server 0.00062.

Submission:

CeGaT Center for Human Genetics Tuebingen
Classification: Likely benign. Last evaluated: 2023-02-01. Review status: criteria provided, single submitter. Criteria: CeGaT Center For Human Genetics Tuebingen Variant Classification Criteria Version 2. Collection method: clinical testing. Allele origin: germline. Affected: yes. Observed: 1 variant allele.
Comment: ZNF276: BP4, BP7

NM_001113525.2(ZNF276):c.1176T>C (p.Ser392=)

Gene: ZNF276 (zinc finger protein 276; plus strand). Cytogenetic location: 16q24.3.
Variant type: single nucleotide variant.
Coding change: c.1176T>C on transcript NM_001113525.2 (MANE Select); coding-DNA position 1176, T replaced by C.
Protein change: p.Ser392=; no amino-acid change (serine 392 retained).
Molecular consequence: synonymous variant. On other transcripts: non-coding transcript variant (4).
Genome position (GRCh38, 1-based): chr16:89,733,308, T>C. VCF-style: chr16-89733308-T-C. GRCh37 (hg19) VCF-style: chr16-89799716-T-C.
Other names: c.951T>C, p.Ser317= (NM_152287.4).
Identifiers: ClinVar variation 2647134 (VCV002647134.24), dbSNP rs372940798, ClinGen allele CA8250186.